The following is an entry in ClinVar:

ClinVar aggregate classification (germline): Pathogenic (1 of 4 stars; one submission).

Submission:

Labcorp Genetics (formerly Invitae), Labcorp
Classification: Pathogenic. Last evaluated: 2023-10-27. Review status: criteria provided, single submitter. Criteria: Invitae Variant Classification Sherloc (09022015). Collection method: clinical testing. Allele origin: unknown.
Comment: This variant is a gross deletion of the genomic region encompassing exon(s) 4-11 of the DYNC2LI1 gene. This deletion is out-of-frame, and is expected to create a premature termination codon and result in an absent or disrupted protein product. Loss-of-function variants in DYNC2LI1 are known to be pathogenic (PMID: 26077881, 26130459). This variant has not been reported in the literature in individuals affected with DYNC2LI1-related conditions. For these reasons, this variant has been classified as Pathogenic.

Literature cited by the submitters: PubMed 26077881; PubMed 26130459.

NC_000002.11:g.(?_44014300)_(44031898_?)del

Gene: DYNC2LI1 (dynein cytoplasmic 2 light intermediate chain 1; plus strand). Cytogenetic location: 2p21.
Variant type: Deletion.
Identifiers: ClinVar variation 3247567 (VCV003247567.1).